The following is an entry in ClinVar:

ClinVar aggregate classification (germline): Pathogenic. Review status: criteria provided, single submitter (1 of 4 stars). 2 submissions from 2 submitters: Pathogenic (1). 1 of the submissions does not count toward it. Last evaluated 2023-07-24.

Conditions:
Retinitis pigmentosa with or without situs inversus. Also called: Retinitis pigmentosa 82; Retinitis pigmentosa 82 with or without situs inversus. Identifiers: Orphanet 791, MedGen C4747737, MONDO:0014186, OMIM 615434.
Retinitis pigmentosa (RP). Identifiers: Orphanet 791, MedGen C0035334, MeSH D012174, MONDO:0019200, OMIM 268000. Inheritance: Autosomal dominant, autosomal recessive and X linked inheritance.

Submissions (2):

Ophthalmic Genetics Group, Institute of Molecular and Clinical Ophthalmology Basel
Classification: Pathogenic for Retinitis pigmentosa. Last evaluated: 2023-07-24. Review status: criteria provided, single submitter. Criteria: ACMG Guidelines, 2015. Collection method: research. Allele origin: germline. Affected: yes. Observed: 1 variant allele.
Comment: Clinical significance based on ACMG v2.0

This variant was classified as Pathogenic based on ACMG criteria: PVS1, PM2, PP1.

OMIM
Classification: Pathogenic for RETINITIS PIGMENTOSA 82. Last evaluated: 2024-08-27. Review status: no assertion criteria provided. Collection method: literature only. Allele origin: germline. Not counted in ClinVar's aggregate classification.

Literature cited by the submitters: PubMed 36909829 (cited by Ophthalmic Genetics Group, Institute of Molecular and Clinical Ophthalmology Basel); PubMed 31425546 (cited by OMIM).

NM_012106.4(ARL2BP):c.33_36del (p.Phe13fs)

Gene: ARL2BP (ARF like GTPase 2 binding protein; plus strand). Cytogenetic location: 16q13.
Variant type: Deletion.
Coding change: c.33_36del on transcript NM_012106.4 (MANE Select); coding-DNA positions 33 to 36, 4 bases deleted (GTCT; older notation c.33_36delGTCT).
Protein change: p.Phe13fs; shifts the reading frame from phenylalanine 13.
Molecular consequence: frameshift variant.
Genome position (GRCh38, 1-based): chr16:57,245,400-57,245,403, GTCT deleted; deleting any 4 consecutive bases within chr16:57,245,398-57,245,403 gives the same sequence; the c. name uses the placement nearest the transcript's 3' end. VCF-style (leftmost placement, unchanged base first): chr16-57245397-GCTGT-G. GRCh37 (hg19) VCF-style: chr16-57279309-GCTGT-G.
Other names: NC_000016.9:g.57279312_57279315del; NP_036238.1:p.(Phe13ProfsTer15); short protein forms F13fs.
Identifiers: ClinVar variation 2577503 (VCV002577503.3), dbSNP rs2545930144, ClinGen allele CA2580617535.